The following is an entry in ClinVar:

NM_152743.4(BRAT1):c.988_989delinsAA (p.Ala330Asn)

Gene: BRAT1 (BRCA1 associated ATM activator 1; minus strand). Cytogenetic location: 7p22.3.
Variant type: Indel.
Coding change: c.988_989delinsAA on transcript NM_152743.4 (MANE Select); coding-DNA positions 988 to 989, GC replaced by AA.
Protein change: p.Ala330Asn; replaces alanine 330 with asparagine.
Molecular consequence: missense variant. On other transcripts: non-coding transcript variant (1).
Genome position (GRCh38, 1-based): chr7:2,542,146-2,542,147, GC replaced by TT on the plus strand (GC replaced by AA on the coding strand, the reverse complement: BRAT1 is on the minus strand). VCF-style: chr7-2542146-GC-TT. GRCh37 (hg19) VCF-style: chr7-2581780-GC-TT.
Other names: c.988_989delinsAA, p.Ala330Asn (NM_001350626.2); c.463_464delinsAA, p.Ala155Asn (NM_001350627.2); short protein forms A155N, A330N.
Identifiers: ClinVar variation 864041 (VCV000864041.8), dbSNP rs1779222833, ClinGen allele CA916082909.

ClinVar aggregate classification (germline): Uncertain significance. Review status: criteria provided, multiple submitters, no conflicts (2 of 4 stars). 2 submissions from 2 submitters: Uncertain significance (2). Last evaluated 2022-06-22.

Conditions:
Neonatal-onset encephalopathy with rigidity and seizures. Also called: Lethal neonatal spasticity-epileptic encephalopathy syndrome. Identifiers: Orphanet 435845, MedGen C3281029, MONDO:0013784, OMIM 614498.

Submissions (2):

GeneDx
Classification: Uncertain significance. Last evaluated: 2022-06-22. Review status: criteria provided, single submitter. Criteria: GeneDx Variant Classification Process June 2021. Collection method: clinical testing. Allele origin: germline. Affected: yes.
Comment: Not observed at significant frequency in large population cohorts (gnomAD); In silico analysis supports a deleterious effect on protein structure/function; Has not been previously published as pathogenic or benign to our knowledge

Labcorp Genetics (formerly Invitae), Labcorp
Classification: Uncertain significance for Neonatal-onset encephalopathy with rigidity and seizures. Last evaluated: 2022-05-30. Review status: criteria provided, single submitter. Criteria: Invitae Variant Classification Sherloc (09022015). Collection method: clinical testing. Allele origin: germline.
Comment: This sequence change replaces alanine, which is neutral and non-polar, with asparagine, which is neutral and polar, at codon 330 of the BRAT1 protein (p.Ala330Asn). This variant is present in population databases (no rsID available, gnomAD 0.05%). This variant has not been reported in the literature in individuals affected with BRAT1-related conditions. ClinVar contains an entry for this variant (Variation ID: 864041). Algorithms developed to predict the effect of missense changes on protein structure and function are either unavailable or do not agree on the potential impact of this missense change (SIFT: "Not Available"; PolyPhen-2: "Probably Damaging"; Align-GVGD: "Not Available"). Algorithms developed to predict the effect of sequence changes on RNA splicing suggest that this variant may create or strengthen a splice site. In summary, the available evidence is currently insufficient to determine the role of this variant in disease. Therefore, it has been classified as a Variant of Uncertain Significance.